The following is an entry in ClinVar:

ClinVar aggregate classification (germline): Uncertain significance. Review status: criteria provided, multiple submitters, no conflicts (2 of 4 stars). 2 submissions from 2 submitters: Uncertain significance (2). Last evaluated 2024-06-25.

Conditions:
Hereditary cancer-predisposing syndrome. Also called: Tumor predisposition; Hereditary neoplastic syndrome; Neoplastic Syndromes, Hereditary; Hereditary Cancer Syndrome. Identifiers: Orphanet 140162, MedGen C0027672, MeSH D009386, MONDO:0015356.

Allele frequency attached by ClinVar (database versions not stated): gnomAD exomes below 0.00001.
gnomAD v4.1: 1 of 1,612,050 alleles (0.000062%); highest among the groups gnomAD compares: Non-Finnish European, 0.000085%; no homozygotes.

Submissions (2):

Ambry Genetics
Classification: Uncertain significance for Hereditary cancer-predisposing syndrome. Last evaluated: 2024-06-25. Review status: criteria provided, single submitter. Criteria: Ambry Variant Classification Scheme 2023. Collection method: clinical testing. Allele origin: germline.
Comment: The p.T192S variant (also known as c.574A>T), located in coding exon 4 of the NTHL1 gene, results from an A to T substitution at nucleotide position 574. The threonine at codon 192 is replaced by serine, an amino acid with similar properties. This amino acid position is conserved. In addition, the in silico prediction for this alteration is inconclusive. Since supporting evidence is limited at this time, the clinical significance of this alteration remains unclear.

Labcorp Genetics (formerly Invitae), Labcorp
Classification: Uncertain significance. Last evaluated: 2019-03-26. Review status: criteria provided, single submitter. Criteria: Invitae Variant Classification Sherloc (09022015). Collection method: clinical testing. Allele origin: germline.
Comment: In summary, the available evidence is currently insufficient to determine the role of this variant in disease. Therefore, it has been classified as a Variant of Uncertain Significance. Algorithms developed to predict the effect of missense changes on protein structure and function (SIFT, PolyPhen-2, Align-GVGD) all suggest that this variant is likely to be disruptive, but these predictions have not been confirmed by published functional studies and their clinical significance is uncertain. This variant has not been reported in the literature in individuals with NTHL1-related conditions. This variant is not present in population databases (ExAC no frequency). This sequence change replaces threonine with serine at codon 192 of the NTHL1 protein (p.Thr192Ser). The threonine residue is highly conserved and there is a small physicochemical difference between threonine and serine.

NM_002528.7(NTHL1):c.550A>T (p.Thr184Ser)

Gene: NTHL1 (nth like DNA glycosylase 1; minus strand). Cytogenetic location: 16p13.3.
Variant type: single nucleotide variant.
Coding change: c.550A>T on transcript NM_002528.7 (MANE Select); coding-DNA position 550, A replaced by T.
Protein change: p.Thr184Ser; replaces threonine 184 with serine.
Molecular consequence: missense variant.
Genome position (GRCh38, 1-based): chr16:2,043,702, T>A on the plus strand (A>T on the coding strand, the complement: NTHL1 is on the minus strand). VCF-style: chr16-2043702-T-A. GRCh37 (hg19) VCF-style: chr16-2093703-T-A.
Other names: c.379A>T, p.Thr127Ser (NM_001318193.2); c.220A>T, p.Thr74Ser (NM_001318194.2); short protein forms T127S, T74S, T184S.
Identifiers: ClinVar variation 845831 (VCV000845831.11), dbSNP rs2084301101, ClinGen allele CA394292332.